The following is an entry in ClinVar:

NM_005634.3(SOX3):c.941C>G (p.Pro314Arg)

Gene: SOX3 (SRY-box transcription factor 3; minus strand). Cytogenetic location: Xq27.1.
Variant type: single nucleotide variant.
Coding change: c.941C>G on transcript NM_005634.3 (MANE Select); coding-DNA position 941, C replaced by G.
Protein change: p.Pro314Arg; replaces proline 314 with arginine.
Molecular consequence: missense variant.
Genome position (GRCh38, 1-based): chrX:140,504,120, G>C on the plus strand (C>G on the coding strand, the complement: SOX3 is on the minus strand). VCF-style: chrX-140504120-G-C. GRCh37 (hg19) VCF-style: chrX-139586285-G-C.
Other names: short protein forms P314R.
Identifiers: ClinVar variation 2661541 (VCV002661541.24), dbSNP rs2520864772, ClinGen allele CA414477641.

ClinVar aggregate classification (germline): Uncertain significance (1 of 4 stars; one submission).

Submission:

CeGaT Center for Human Genetics Tuebingen
Classification: Uncertain significance. Last evaluated: 2023-03-01. Review status: criteria provided, single submitter. Criteria: CeGaT Center For Human Genetics Tuebingen Variant Classification Criteria Version 2. Collection method: clinical testing. Allele origin: germline. Affected: yes. Observed: 1 variant allele.
Comment: SOX3: PM2